The following is an entry in ClinVar:

ClinVar aggregate classification (germline): Benign/Likely benign. Review status: criteria provided, multiple submitters, no conflicts (2 of 4 stars). 3 submissions from 3 submitters: Benign (1); Likely benign (1). 1 of the submissions does not count toward it. Last evaluated 2026-01-26.

Conditions:
LRRC56-related disorder. Also called: LRRC56-related condition.

Allele frequency attached by ClinVar (database versions not stated): gnomAD exomes 0.00012 and 0.00038; ExAC 0.00046; gnomAD 0.00155 and 0.00163; TOPMed 0.00160; ESP Exome Variant Server 0.00177; 1000 Genomes Project 0.00200; 1000 Genomes Project 30x 0.00234.
gnomAD v4.1: 424 of 1,608,182 alleles (0.026%); highest among the groups gnomAD compares: African/African-American, 0.49%; 2 homozygotes.

Submissions (3):

Labcorp Genetics (formerly Invitae), Labcorp
Classification: Benign. Last evaluated: 2026-01-26. Review status: criteria provided, single submitter. Criteria: Invitae Variant Classification Sherloc (09022015). Collection method: clinical testing. Allele origin: germline.

Laboratory of Genetics, Children's Clinical University Hospital Latvia
Classification: Likely benign. Last evaluated: 2025-02-16. Review status: criteria provided, single submitter. Criteria: ACMG Guidelines, 2015. Collection method: clinical testing. Allele origin: germline. Affected: yes.

PreventionGenetics, part of Exact Sciences
Classification: Likely benign for LRRC56-related condition. Last evaluated: 2019-08-26. Review status: no assertion criteria provided. Collection method: clinical testing. Allele origin: germline. Not counted in ClinVar's aggregate classification.
Comment: This variant is classified as likely benign based on ACMG/AMP sequence variant interpretation guidelines (Richards et al. 2015 PMID: 25741868, with internal and published modifications).

NM_198075.4(LRRC56):c.1316-8C>T

Gene: LRRC56 (leucine rich repeat containing 56; plus strand). Cytogenetic location: 11p15.5.
Variant type: single nucleotide variant.
Coding change: c.1316-8C>T on transcript NM_198075.4 (MANE Select); 8 bases into the intron before coding-DNA position 1316, C replaced by T.
Molecular consequence: intron variant.
Genome position (GRCh38, 1-based): chr11:553,955, C>T. VCF-style: chr11-553955-C-T. GRCh37 (hg19) VCF-style: chr11-553955-C-T.
Other names: c.1316-8C>T (NM_198075.3).
Identifiers: ClinVar variation 1669527 (VCV001669527.11), dbSNP rs145649907, ClinGen allele CA5780072.